The following is an entry in ClinVar:

NM_000492.4(CFTR):c.1040G>C (p.Arg347Pro)

Gene: CFTR (CF transmembrane conductance regulator; plus strand). Cytogenetic location: 7q31.2.
Variant type: single nucleotide variant.
Coding change: c.1040G>C on transcript NM_000492.4 (MANE Select); coding-DNA position 1040, G replaced by C.
Protein change: p.Arg347Pro; replaces arginine 347 with proline.
Molecular consequence: missense variant.
Genome position (GRCh38, 1-based): chr7:117,540,270, G>C. VCF-style: chr7-117540270-G-C. GRCh37 (hg19) VCF-style: chr7-117180324-G-C.
Other names: short protein forms R347P.
Identifiers: ClinVar variation 7110 (VCV000007110.120), dbSNP rs77932196, ClinGen allele CA340630.
Genomic context (GRCh38, chr7:117,540,270, plus strand): 5'-TAATCAAAGGAATCATCCTCCGGAAAATATTCACCACCATCTCATTCTGCATTGTTCTGC[G>C]CATGGCGGTCACTCGGCAATTTCCCTGGGCTGTACAAACATGGTATGACTCTCTTGGAGC-3'
Protein context (NP_000483.3, residues 337-357): FTTISFCIVL[Arg347Pro]MAVTRQFPWA

ClinVar aggregate classification (germline): Pathogenic. Review status: practice guideline (4 of 4 stars). 25 submissions from 24 submitters: Pathogenic (1). 24 of the submissions do not count toward it. Last evaluated 2004-03-03.

Conditions:
Cystic fibrosis (CF). Also called: MUCOVISCIDOSIS. Identifiers: Orphanet 586, MedGen C0010674, MONDO:0009061, OMIM 219700. Disease mechanism: loss of function.
Hereditary pancreatitis (PCTT). Also called: PRSS1-Related Hereditary Pancreatitis; Hereditary chronic pancreatitis. Identifiers: Orphanet 676, MedGen C0238339, MONDO:0008185, OMIM 167800.
Congenital bilateral aplasia of vas deferens from CFTR mutation (CBAVD). Identifiers: Orphanet 48, MedGen C0403814, MONDO:0010178, OMIM 277180. Disease mechanism: loss of function.
Bronchiectasis with or without elevated sweat chloride 1 (BESC1). Also called: Cystic Fibrosis-Like Syndrome. Identifiers: Orphanet 60033, MedGen C2749757, MONDO:0008887, OMIM 211400.
CFTR-related disorder (CFTR-RD). Also called: CFTR-related condition; CFTR-related disorders. Identifiers: MedGen C5924204, MONDO:7770004.

Allele frequency attached by ClinVar (database versions not stated): TOPMed 0.00002.
gnomAD v4.1: 64 of 1,613,842 alleles (0.004%); highest among the groups gnomAD compares: Non-Finnish European, 0.0053%; no homozygotes.

Submissions 1 to 8 of 25:

American College of Medical Genetics and Genomics  (ACMG)
Classification: Pathogenic for Cystic fibrosis. Last evaluated: 2004-03-03. Review status: practice guideline. Criteria: Guideline for cystic fibrosis carrier screening. Collection method: curation. Allele origin: germline. Inheritance: Autosomal recessive inheritance. Study: The ACMG recommended carrier screening panel.
ClinVar note: Converted during submission from pathogenic to Pathogenic.

CFTR2
Classification: Pathogenic for Cystic fibrosis. Last evaluated: 2017-03-17. Review status: reviewed by expert panel. Criteria: Sosnay PR et al. (Nat Genet 2013). Collection method: research. Allele origin: germline. Affected: yes. Study: CFTR2. Not counted in ClinVar's aggregate classification.

Labcorp Genetics (formerly Invitae), Labcorp
Classification: Pathogenic for Cystic fibrosis. Last evaluated: 2026-01-19. Review status: criteria provided, single submitter. Criteria: Invitae Variant Classification Sherloc (09022015). Collection method: clinical testing. Allele origin: germline. Not counted in ClinVar's aggregate classification.
Comment: This sequence change replaces arginine, which is basic and polar, with proline, which is neutral and non-polar, at codon 347 of the CFTR protein (p.Arg347Pro). This variant is present in population databases (rs77932196, gnomAD 0.005%). This missense change has been observed in individual(s) with cystic fibrosis and congenital absence of the vas deferns (PMID: 1723032, 2344617, 10376575, 12400067, 31523618). In at least one individual the data is consistent with being in trans (on the opposite chromosome) from a pathogenic variant. It has also been observed to segregate with disease in related individuals. ClinVar contains an entry for this variant (Variation ID: 7110). Invitae Evidence Modeling of protein sequence and biophysical properties (such as structural, functional, and spatial information, amino acid conservation, physicochemical variation, residue mobility, and thermodynamic stability) indicates that this missense variant is expected to disrupt CFTR protein function with a positive predictive value of 80%. Experimental studies have shown that this missense change affects CFTR function (PMID: 23891399, 23974870). For these reasons, this variant has been classified as Pathogenic.

Victorian Clinical Genetics Services, Murdoch Childrens Research Institute
Classification: Pathogenic for Cystic fibrosis. Last evaluated: 2026-01-16. Review status: criteria provided, single submitter. Criteria: ACMG Guidelines, 2015. Collection method: clinical testing. Allele origin: germline. Affected: no. Not counted in ClinVar's aggregate classification.
Comment: This variant is classified as Pathogenic. Evidence in support of pathogenic classification: Variant is present in gnomAD <0.01 for a recessive condition (v4: 64 heterozygote(s), 0 homozygote(s)); This variant has strong previous evidence of pathogenicity in unrelated individuals. This variant has been classified as pathogenic by the CFTR2 expert panel for cystic fibrosis in ClinVar; Missense variant predicted to be damaging by in silico tool(s) or highly conserved with a major amino acid change. Additional information: Variant is predicted to result in a missense amino acid change from Arg to Pro; This variant is heterozygous; This gene is associated with autosomal recessive disease; Alternative amino acid changes at the same position are present in gnomAD (highest allele count: v4: 84 heterozygote(s), 0 homozygote(s)); Loss of function is a known mechanism of disease in this gene and is associated with cystic fibrosis (MIM#219700).

Institute of Human Genetics, University of Leipzig Medical Center
Classification: Pathogenic for Cystic fibrosis. Last evaluated: 2025-12-08. Review status: criteria provided, single submitter. Criteria: ACMG Guidelines, 2015. Collection method: clinical testing. Allele origin: paternal. Inheritance: Autosomal recessive inheritance. Affected: yes. Not counted in ClinVar's aggregate classification.
Comment: Criteria applied: PM3_VSTR,PS3,PM5_STR,PP3; Identified as compund heterozygous with NM_000492.4:c.1521_1523del

Otogenetics
Classification: Pathogenic for Cystic fibrosis; Congenital bilateral aplasia of vas deferens from CFTR mutation. Last evaluated: 2025-11-21. Review status: criteria provided, single submitter. Criteria: ACMG Guidelines, 2015. Collection method: clinical testing. Allele origin: germline. Not counted in ClinVar's aggregate classification.
Comment: PS3_Supporting: Well-established in vitro and in vivo functional studies supportive of damaging effect on the gene product, with low residual enzymatic activity relative to wild-type reported (PMID: 23891399, 23974870); PM2: Maximum gnomAD MAF of 0.0053% in European-Non Finnish (NFE) subpopulation (<0.296% threshold); PM3_Strong: Variant reported in homozygous state in one affected individual and in trans with 4 pathogenic variants in 6 individuals affected with cystic fibrosis (PMID: 15239534, 15591474, 25910067, 34860163); PM5: Pathogenic missense amino acid changes occur in same position: c.1040G>A;p.Arg374His and c.1040G>T;p.Arg374Leu (PMID: 12815607); PP3: In-silico models predict deleterious effect (Revel = 0.8, BayesDel = 0.42)

Natera, Inc.
Classification: Pathogenic for CFTR-related disorders. Last evaluated: 2025-09-03. Review status: criteria provided, single submitter. Criteria: Natera Variant Classification Schema (03/2026). Collection method: clinical testing. Allele origin: germline. Not counted in ClinVar's aggregate classification.
Comment: The c.1040G>C variant in CFTR is a missense variant predicted to cause substitution of arginine to proline at amino acid 347. This variant is rare in the general population with a frequency below the threshold expected for the associated phenotype(s). This variant has been observed in one or more individuals affected with the associated recessive disease, as either homozygous or compound heterozygous with a second variant (PMID: 25910067). Computational prediction algorithms indicate this variant is likely to affect gene or protein function. Given the available evidence, this variant is classified as Pathogenic.

ARUP Laboratories, Molecular Genetics and Genomics, ARUP Laboratories
Classification: Pathogenic for Cystic fibrosis. Last evaluated: 2025-04-18. Review status: criteria provided, single submitter. Criteria: ARUP Molecular Germline Variant Investigation Process 2024. Collection method: clinical testing. Allele origin: germline. Not counted in ClinVar's aggregate classification.
Comment: The CFTR c.1040G>C; p.Arg347Pro variant (rs77932196) has been reported in multiple patients diagnosed with cystic fibrosis (Chavez-Saldana 2010, Dean 1990, Ivady 2011, Varon 1995) and is associated with both pancreatic-sufficient and -insufficient disease (Dean 1990, Ooi 2012, Varon 1995) CFTR2 database). It has also been identified in individuals with congenital bilateral absence of vas deferens and infertility (Amato 2012, Tomaiuolo 2011) when heterozygous and in-trans with a mildly pathogenic CFTR variant (Tomaiuolo 2011). Functional characterization of the p.Arg347Pro variant protein indicates a failure to generate mature protein, leading to the loss of chloride transport activity (Sosnay 2013, Van Goor 2014). This variant is reported in ClinVar (Variation ID: 7110). This variant is found in the non- Finnish European population with an allele frequency of 0.005% (6/113476 alleles) in the Genome Aggregation Database. The arginine at codon 347 is highly conserved, and computational analyses predict that this variant is deleterious (REVEL: 0.802). Based on the above information, p.Arg347Pro variant is classified as pathogenic. References: CFTR2 database: Amato F et al. Extensive molecular analysis of patients bearing CFTR-related disorders. J Mol Diagn. 2012; 14(1):81-9. PMID: 22020151 Chavez-Saldana M et al. CFTR allelic heterogeneity in Mexican patients with cystic fibrosis: implications for molecular screening. Rev Invest Clin. 2010; 62(6):546-52. PMID: 21416780 Dean M et al. Multiple mutations in highly conserved residues are found in mildly affected cystic fibrosis patients. Cell. 1990; 61(5):863-70. PMID: 2344617 Ivady G et al. Distribution of CFTR mutations in Eastern Hungarians: relevance to genetic testing and to the introduction of newborn screening for cystic fibrosis. J Cyst Fibros. 2011; 10(3):217-20. PMID: 21296036 Ooi C. et al. Cystic fibrosis transmembrane conductance regulator (CFTR) gene mutations in pancreatitis. J Cyst Fibros. 2012; 11(5):355-62. PMID: 22658665 Sosnay PR et al. Defining the disease liability of variants in the cystic fibrosis transmembrane conductance regulator gene. Nat Genet. 2013; 45(10):1160-7. PMID: 23974870 Tomaiuolo R et al. Enhanced frequency of CFTR gene variants in couples who are candidates for assisted reproductive technology treatment. Clin Chem Lab Med. 2011; 49(8):1289-93. PMID: 21679131 Van Goor F et al. Effect of ivacaftor on CFTR forms with missense mutations associated with defects in protein processing or function. J Cyst Fibros. 2014; 13(1):29-36. PMID: 23891399 Varon R et al. Pancreatic insufficiency and pulmonary disease in German and Slavic cystic fibrosis patients with the R347P mutation. Hum Mutat. 1995;6(3):219-25. PMID: 8535440